The following is an entry in ClinVar:

NM_017534.6(MYH2):c.3026A>G (p.His1009Arg)

Genes: MYH2 (myosin heavy chain 2; minus strand), MYHAS (myosin heavy chain gene cluster antisense RNA; plus strand). Cytogenetic location: 17p13.1.
Variant type: single nucleotide variant.
Coding change: c.3026A>G on transcript NM_017534.6 (MANE Select); coding-DNA position 3026, A replaced by G.
Protein change: p.His1009Arg; replaces histidine 1009 with arginine.
Molecular consequence: missense variant.
Genome position (GRCh38, 1-based): chr17:10,529,655, T>C on the plus strand (A>G on the coding strand, the complement: MYH2 is on the minus strand). VCF-style: chr17-10529655-T-C. GRCh37 (hg19) VCF-style: chr17-10432972-T-C.
Other names: c.3026A>G, p.His1009Arg (NM_001100112.2); short protein forms H1009R.
Identifiers: ClinVar variation 2986329 (VCV002986329.4), dbSNP rs1373583996, ClinGen allele CA398140287.

ClinVar aggregate classification (germline): Uncertain significance. Review status: criteria provided, multiple submitters, no conflicts (2 of 4 stars). 2 submissions from 2 submitters: Uncertain significance (2). Last evaluated 2023-11-28.

Conditions:
Myopathy, proximal, and ophthalmoplegia (CMYO6). Also called: INCLUSION BODY MYOPATHY 3, AUTOSOMAL DOMINANT; MYOPATHY WITH CONGENITAL JOINT CONTRACTURES, OPHTHALMOPLEGIA, AND RIMMED VACUOLES; CONGENITAL MYOPATHY 6 WITH OPHTHALMOPLEGIA. Identifiers: Orphanet 363677, Orphanet 79091, MedGen C1854106, MONDO:0011577, OMIM 605637.

Allele frequency attached by ClinVar (database versions not stated): gnomAD exomes below 0.00001.

Submissions (2):

Labcorp Genetics (formerly Invitae), Labcorp
Classification: Uncertain significance for Myopathy, proximal, and ophthalmoplegia. Last evaluated: 2023-11-28. Review status: criteria provided, single submitter. Criteria: Invitae Variant Classification Sherloc (09022015). Collection method: clinical testing. Allele origin: germline.
Comment: This sequence change replaces histidine, which is basic and polar, with arginine, which is basic and polar, at codon 1009 of the MYH2 protein (p.His1009Arg). This variant is present in population databases (no rsID available, gnomAD 0.006%). This variant has not been reported in the literature in individuals affected with MYH2-related conditions. Advanced modeling of protein sequence and biophysical properties (such as structural, functional, and spatial information, amino acid conservation, physicochemical variation, residue mobility, and thermodynamic stability) performed at Invitae indicates that this missense variant is not expected to disrupt MYH2 protein function with a negative predictive value of 80%. In summary, the available evidence is currently insufficient to determine the role of this variant in disease. Therefore, it has been classified as a Variant of Uncertain Significance.

Blueprint Genetics
Classification: Uncertain significance. Last evaluated: 2021-02-18. Review status: criteria provided, single submitter. Criteria: ACMG Guidelines, 2015. Collection method: clinical testing. Allele origin: germline.